The following is an entry in ClinVar:

NM_145725.3(TRAF3):c.868A>G (p.Ser290Gly)

Gene: TRAF3 (TNF receptor associated factor 3; plus strand). Cytogenetic location: 14q32.32.
Variant type: single nucleotide variant.
Coding change: c.868A>G on transcript NM_145725.3 (MANE Select); coding-DNA position 868, A replaced by G.
Protein change: p.Ser290Gly; replaces serine 290 with glycine.
Molecular consequence: missense variant. On other transcripts: intron variant (1).
Genome position (GRCh38, 1-based): chr14:102,897,309, A>G. VCF-style: chr14-102897309-A-G. GRCh37 (hg19) VCF-style: chr14-103363646-A-G.
Other names: c.619A>G, p.Ser207Gly (NM_001199427.2); c.787A>G, p.Ser263Gly (NM_001385143.1); c.868A>G, p.Ser290Gly (NM_003300.4); c.793A>G, p.Ser265Gly (NM_145726.3); c.819+5892A>G (NM_001385142.1); short protein forms S263G, S265G, S290G, S207G.
Identifiers: ClinVar variation 2832830 (VCV002832830.3), dbSNP rs2542583732, ClinGen allele CA391073778.

ClinVar aggregate classification (germline): Uncertain significance (1 of 4 stars; one submission).

Conditions:
Immunodeficiency 132A. Also called: Herpes simplex encephalitis, susceptibility to, 3. Identifiers: Orphanet 1930, MedGen C3553868, MONDO:0013920, OMIM 614849.

Submission:

Labcorp Genetics (formerly Invitae), Labcorp
Classification: Uncertain significance for Immunodeficiency 132A. Last evaluated: 2023-12-10. Review status: criteria provided, single submitter. Criteria: Invitae Variant Classification Sherloc (09022015). Collection method: clinical testing. Allele origin: germline.
Comment: This sequence change replaces serine, which is neutral and polar, with glycine, which is neutral and non-polar, at codon 290 of the TRAF3 protein (p.Ser290Gly). This variant is not present in population databases (gnomAD no frequency). This variant has not been reported in the literature in individuals affected with TRAF3-related conditions. An algorithm developed to predict the effect of missense changes on protein structure and function (PolyPhen-2) suggests that this variant is likely to be tolerated. In summary, the available evidence is currently insufficient to determine the role of this variant in disease. Therefore, it has been classified as a Variant of Uncertain Significance.